The following is an entry in ClinVar:

NM_001429.4(EP300):c.6533A>G (p.Gln2178Arg)

Gene: EP300 (EP300 lysine acetyltransferase; plus strand). Cytogenetic location: 22q13.2.
Variant type: single nucleotide variant.
Coding change: c.6533A>G on transcript NM_001429.4 (MANE Select); coding-DNA position 6533, A replaced by G.
Protein change: p.Gln2178Arg; replaces glutamine 2178 with arginine.
Molecular consequence: missense variant.
Genome position (GRCh38, 1-based): chr22:41,178,244, A>G. VCF-style: chr22-41178244-A-G. GRCh37 (hg19) VCF-style: chr22-41574248-A-G.
Other names: c.6455A>G, p.Gln2152Arg (NM_001362843.2); c.6533A>G (NM_001429.3); short protein forms Q2178R, Q2152R.
Identifiers: ClinVar variation 2152799 (VCV002152799.5), dbSNP rs754808991, ClinGen allele CA10253879.

ClinVar aggregate classification (germline): Uncertain significance. Review status: criteria provided, single submitter (1 of 4 stars). 2 submissions from 2 submitters: Uncertain significance (1). 1 of the submissions does not count toward it. Last evaluated 2022-10-18.

Conditions:
EP300-related disorder. Also called: EP300-related disorders; EP300-related condition.
Rubinstein-Taybi syndrome due to EP300 haploinsufficiency. Also called: EP300-Related Rubinstein-Taybi Syndrome; RUBINSTEIN-TAYBI SYNDROME 2. Identifiers: Orphanet 353284, Orphanet 783, MedGen C3150941, MONDO:0013364, OMIM 613684.

Allele frequency attached by ClinVar (database versions not stated): gnomAD exomes below 0.00001; ExAC 0.00001.
gnomAD v4.1: 4 of 1,614,094 alleles (0.00025%); highest among the groups gnomAD compares: African/African-American, 0.0013%; no homozygotes.

Submissions (2):

Labcorp Genetics (formerly Invitae), Labcorp
Classification: Uncertain significance for Rubinstein-Taybi syndrome due to EP300 haploinsufficiency. Last evaluated: 2022-10-18. Review status: criteria provided, single submitter. Criteria: Invitae Variant Classification Sherloc (09022015). Collection method: clinical testing. Allele origin: germline.
Comment: In summary, the available evidence is currently insufficient to determine the role of this variant in disease. Therefore, it has been classified as a Variant of Uncertain Significance. Advanced modeling of protein sequence and biophysical properties (such as structural, functional, and spatial information, amino acid conservation, physicochemical variation, residue mobility, and thermodynamic stability) performed at Invitae indicates that this missense variant is not expected to disrupt EP300 protein function. This variant has not been reported in the literature in individuals affected with EP300-related conditions. This variant is not present in population databases (gnomAD no frequency). This sequence change replaces glutamine, which is neutral and polar, with arginine, which is basic and polar, at codon 2178 of the EP300 protein (p.Gln2178Arg).

PreventionGenetics, part of Exact Sciences
Classification: Uncertain significance for EP300-related condition. Last evaluated: 2024-03-28. Review status: no assertion criteria provided. Collection method: clinical testing. Allele origin: germline. Not counted in ClinVar's aggregate classification.
Comment: The EP300 c.6533A>G variant is predicted to result in the amino acid substitution p.Gln2178Arg. To our knowledge, this variant has not been reported in the literature or in a large population database, indicating this variant is rare. At this time, the clinical significance of this variant is uncertain due to the absence of conclusive functional and genetic evidence.